The following is an entry in ClinVar:

ClinVar aggregate classification (germline): Uncertain significance (1 of 4 stars; one submission).

Conditions:
Bloom syndrome (BLM). Also called: Bloom-Torre-Machacek syndrome. Identifiers: Orphanet 125, MedGen C0005859, MONDO:0008876, OMIM 210900.

Submission:

Labcorp Genetics (formerly Invitae), Labcorp
Classification: Uncertain significance for Bloom syndrome. Last evaluated: 2024-07-24. Review status: criteria provided, single submitter. Criteria: Invitae Variant Classification Sherloc (09022015). Collection method: clinical testing. Allele origin: germline.
Comment: This sequence change replaces tyrosine, which is neutral and polar, with serine, which is neutral and polar, at codon 974 of the BLM protein (p.Tyr974Ser). This variant is not present in population databases (gnomAD no frequency). This variant has not been reported in the literature in individuals affected with BLM-related conditions. ClinVar contains an entry for this variant (Variation ID: 843255). Advanced modeling of protein sequence and biophysical properties (such as structural, functional, and spatial information, amino acid conservation, physicochemical variation, residue mobility, and thermodynamic stability) performed at Invitae indicates that this missense variant is expected to disrupt BLM protein function with a positive predictive value of 80%. In summary, the available evidence is currently insufficient to determine the role of this variant in disease. Therefore, it has been classified as a Variant of Uncertain Significance.

NM_000057.4(BLM):c.2921A>C (p.Tyr974Ser)

Gene: BLM (BLM RecQ like helicase; plus strand). Cytogenetic location: 15q26.1.
Variant type: single nucleotide variant.
Coding change: c.2921A>C on transcript NM_000057.4 (MANE Select); coding-DNA position 2921, A replaced by C.
Protein change: p.Tyr974Ser; replaces tyrosine 974 with serine.
Molecular consequence: missense variant.
Genome position (GRCh38, 1-based): chr15:90,790,746, A>C. VCF-style: chr15-90790746-A-C. GRCh37 (hg19) VCF-style: chr15-91333976-A-C.
Other names: c.2921A>C, p.Tyr974Ser (NM_001287246.2, NM_001287247.2); c.1796A>C, p.Tyr599Ser (NM_001287248.2); short protein forms Y599S, Y974S.
Identifiers: ClinVar variation 843255 (VCV000843255.12), dbSNP rs1051102270, ClinGen allele CA393846420.